The following is an entry in ClinVar:

ClinVar aggregate classification (germline): Uncertain significance. Review status: criteria provided, single submitter (1 of 4 stars). 2 submissions from 2 submitters: Uncertain significance (1). 1 of the submissions does not count toward it. Last evaluated 2020-12-23.

Conditions:
Leukodystrophy, hypomyelinating, 8, with or without oligodontia and/or hypogonadotropic hypogonadism. Also called: LEUKODYSTROPHY, HYPOMYELINATING, 8, WITH HYPODONTIA AND HYPOGONADOTROPIC HYPOGONADISM; Hypomyelinating leukodystrophy 8 with or without oligodontia and-or hypogonadotropic hypogonadism; Endosteal sclerosis-cerebellar hypoplasia syndrome. Identifiers: Orphanet 85186, Orphanet 88637, MedGen C3280644, MONDO:0013722, OMIM 614381.
Charcot-Marie-Tooth disease, demyelinating, IIA 1I. Also called: CHARCOT-MARIE-TOOTH NEUROPATHY, TYPE 1I; Charcot-Marie-Tooth disease, demyelinating, type 1I. Identifiers: MedGen C5676914, MONDO:0030677, OMIM 619742.

Submissions (2):

Molecular Diagnostics Lab, Nemours Children's Health, Delaware
Classification: Uncertain significance for Charcot-Marie-Tooth disease, demyelinating, IIA 1I. Last evaluated: 2020-12-23. Review status: criteria provided, single submitter. Criteria: ACMG Guidelines, 2015. Collection method: clinical testing. Allele origin: unknown. Inheritance: Autosomal recessive inheritance. Affected: yes. Observed: 2 compound heterozygotes. Clinical features observed: Nystagmus (HP:0000639), Spastic paraplegia (HP:0001258), CNS hypomyelination (HP:0003429).
Comment: This missense variant (c.1346T>C, p.Leu449Pro) has not been observed in population databases (gnomAD) and has been reported in the literature (PMID 25339210) . Variant predication programs suggest a deleterious effect, but no functional studies have been publishd.

GeneReviews
No classification provided. Condition: Leukodystrophy, hypomyelinating, 8, with or without oligodontia and/or hypogonadotropic hypogonadism. Review status: no classification provided. Collection method: literature only. Allele origin: germline. Not counted in ClinVar's aggregate classification.

Literature cited by the submitters: PubMed 25339210 (cited by GeneReviews); PubMed 22855961 (cited by GeneReviews).

NM_018082.6(POLR3B):c.1346T>C (p.Leu449Pro)

Gene: POLR3B (RNA polymerase III subunit B; plus strand). Cytogenetic location: 12q23.3.
Variant type: single nucleotide variant.
Coding change: c.1346T>C on transcript NM_018082.6 (MANE Select); coding-DNA position 1346, T replaced by C.
Protein change: p.Leu449Pro; replaces leucine 449 with proline.
Molecular consequence: missense variant.
Genome position (GRCh38, 1-based): chr12:106,430,355, T>C. VCF-style: chr12-106430355-T-C. GRCh37 (hg19) VCF-style: chr12-106824133-T-C.
Other names: c.1172T>C, p.Leu391Pro (NM_001160708.2); short protein forms L391P, L449P.
Identifiers: ClinVar variation 1184087 (VCV001184087.4), dbSNP rs2137002042, ClinGen allele CA386389087.